The following is an entry in ClinVar:

ClinVar aggregate classification (germline): Pathogenic. Review status: criteria provided, multiple submitters, no conflicts (2 of 4 stars). 3 submissions from 3 submitters: Pathogenic (3). Last evaluated 2025-09-19.

Conditions:
Epidermolysis bullosa dystrophica. Also called: Dystrophic epidermolysis bullosa, Hallopeau-Siemens type (formerly); Dystrophic epidermolysis bullosa. Identifiers: Orphanet 303, MedGen C0079294, MONDO:0006543.

Submissions (3):

Natera, Inc.
Classification: Pathogenic for Dystrophic epidermolysis bullosa. Last evaluated: 2025-09-19. Review status: criteria provided, single submitter. Criteria: Natera Variant Classification Schema (03/2026). Collection method: clinical testing. Allele origin: germline.
Comment: The c.6182G>A variant in COL7A1 is a missense variant predicted to cause substitution of glycine to glutamic acid at amino acid 2061. This variant is rare in the general population with a frequency below the threshold expected for the associated phenotype(s). This variant has been observed in affected individual(s) with monoallelic occurrence (heterozygous/hemizygous) (PMID: 36578049, 17282977, 31215591, 39355753). Additionally, this variant has been observed to segregate in affected family members (PMID: 36578049, 31215591). A different variant at the same position has been determined to be Pathogenic or Likely Pathogenic. Computational prediction algorithms indicate this variant is likely to affect gene or protein function. Given the available evidence, this variant is classified as Pathogenic.

GeneDx
Classification: Pathogenic. Last evaluated: 2025-08-01. Review status: criteria provided, single submitter. Criteria: GeneDx Variant Classification Process June 2021. Collection method: clinical testing. Allele origin: germline. Affected: yes.
Comment: Located in the highly conserved Gly-X-Y repeat of the collagenous domain; Glycine substitution variants in this region of the COLVII protein destabilize the collagen triple helix resulting in skin fragility due to poor anchoring of the basement membrane to the underlying dermis (PMID: 20301481); Not observed at significant frequency in large population cohorts (gnomAD); In silico analysis supports that this missense variant has a deleterious effect on protein structure/function and on splicing; This variant is associated with the following publications: (PMID: 21448560, 17282977, 20301481, 36578049, 31215591, 38368142)

Labcorp Genetics (formerly Invitae), Labcorp
Classification: Pathogenic. Last evaluated: 2022-06-30. Review status: criteria provided, single submitter. Criteria: Invitae Variant Classification Sherloc (09022015). Collection method: clinical testing. Allele origin: germline.
Comment: This variant is not present in population databases (gnomAD no frequency). This sequence change replaces glycine, which is neutral and non-polar, with glutamic acid, which is acidic and polar, at codon 2061 of the COL7A1 protein (p.Gly2061Glu). Algorithms developed to predict the effect of sequence changes on RNA splicing suggest that this variant may create or strengthen a splice site. Algorithms developed to predict the effect of missense changes on protein structure and function are either unavailable or do not agree on the potential impact of this missense change (SIFT: "Deleterious"; PolyPhen-2: "Not Available"; Align-GVGD: "Class C65"). This missense change has been observed in individual(s) with clinical features of autosomal dominant dystrophic epidermolysis bullosa (Invitae). In at least one individual the variant was observed to be de novo. This variant has been reported in individual(s) with autosomal recessive dystrophic epidermolysis bullosa (PMID: 17282977); however, the role of the variant in this condition is currently unclear. This variant disrupts the triple helix domain of COL7A1. Glycine residues within the Gly-Xaa-Yaa repeats of the triple helix domain are required for the structure and stability of fibrillar collagens (PMID: 7695699, 8218237, 19344236), and variants at these glycine residues in COL7A1 are more frequently observed in individuals with disease than in the general population (PMID: 22058051). However, the clinical significance of this observation remains uncertain since only a limited number of affected individuals have been described to date. For these reasons, this variant has been classified as Pathogenic.

Literature cited by the submitters: PubMed 36578049 (cited by Natera, Inc.); PubMed 17282977 (cited by Natera, Inc. and Labcorp Genetics (formerly Invitae), Labcorp); PubMed 31215591 (cited by Natera, Inc.); PubMed 39355753 (cited by Natera, Inc.); PubMed 7695699 (cited by Labcorp Genetics (formerly Invitae), Labcorp); PubMed 8218237 (cited by Labcorp Genetics (formerly Invitae), Labcorp); PubMed 19344236 (cited by Labcorp Genetics (formerly Invitae), Labcorp); PubMed 22058051 (cited by Labcorp Genetics (formerly Invitae), Labcorp).

NM_000094.4(COL7A1):c.6182G>A (p.Gly2061Glu)

Gene: COL7A1 (collagen type VII alpha 1 chain; minus strand). Cytogenetic location: 3p21.31.
Variant type: single nucleotide variant.
Coding change: c.6182G>A on transcript NM_000094.4 (MANE Select); coding-DNA position 6182, G replaced by A.
Protein change: p.Gly2061Glu; replaces glycine 2061 with glutamic acid.
Molecular consequence: missense variant.
Genome position (GRCh38, 1-based): chr3:48,575,241, C>T on the plus strand (G>A on the coding strand, the complement: COL7A1 is on the minus strand). VCF-style: chr3-48575241-C-T. GRCh37 (hg19) VCF-style: chr3-48612674-C-T.
Other names: short protein forms G2061E.
Identifiers: ClinVar variation 2203366 (VCV002203366.6), dbSNP rs2044208810, ClinGen allele CA352662718.